The following is an entry in ClinVar:

NM_000368.5(TSC1):c.3417C>G (p.His1139Gln)

Gene: TSC1 (TSC complex subunit 1; minus strand). Cytogenetic location: 9q34.13.
Variant type: single nucleotide variant.
Coding change: c.3417C>G on transcript NM_000368.5 (MANE Select); coding-DNA position 3417, C replaced by G.
Protein change: p.His1139Gln; replaces histidine 1139 with glutamine.
Molecular consequence: missense variant. On other transcripts: non-coding transcript variant (5).
Genome position (GRCh38, 1-based): chr9:132,896,313, G>C on the plus strand (C>G on the coding strand, the complement: TSC1 is on the minus strand). VCF-style: chr9-132896313-G-C. GRCh37 (hg19) VCF-style: chr9-135771700-G-C.
Other names: c.3414C>G, p.His1138Gln (NM_001162426.2, NM_001406597.1, NM_001406598.1 and 2 more transcripts); c.3264C>G, p.His1088Gln (NM_001162427.2, NM_001406610.1); c.3054C>G, p.His1018Gln (NM_001362177.2, NM_001406614.1, NM_001406615.1 and 4 more transcripts); c.3417C>G, p.His1139Gln (NM_001406592.1, NM_001406593.1, NM_001406594.1 and 2 more transcripts); c.3402C>G, p.His1134Gln (NM_001406601.1, NM_001406602.1); c.3399C>G, p.His1133Gln (NM_001406603.1, NM_001406604.1); c.3375C>G, p.His1125Gln (NM_001406605.1, NM_001406606.1, NM_001406607.1); c.3372C>G, p.His1124Gln (NM_001406608.1, NM_001406609.1); and 8 more; short protein forms H1003Q, H1087Q, H1004Q, H1018Q, H1125Q, H1133Q, H1138Q, H788Q.
Identifiers: ClinVar variation 5031253 (VCV005031253.1).

ClinVar aggregate classification (germline): Uncertain significance (1 of 4 stars; one submission).

Conditions:
Hereditary cancer-predisposing syndrome. Also called: Neoplastic Syndromes, Hereditary; Tumor predisposition; Hereditary neoplastic syndrome; Hereditary Cancer Syndrome. Identifiers: Orphanet 140162, MedGen C0027672, MeSH D009386, MONDO:0015356.

gnomAD v4.1: 1 of 1,614,124 alleles (0.000062%); highest among the groups gnomAD compares: African/African-American, 0.0013%; no homozygotes.

Submission:

Ambry Genetics
Classification: Uncertain significance for Hereditary cancer-predisposing syndrome. Last evaluated: 2026-08-10. Review status: criteria provided, single submitter. Criteria: Ambry Variant Classification Scheme 2023. Collection method: clinical testing. Allele origin: germline.
Comment: The p.H1139Q variant (also known as c.3417C>G), located in coding exon 21 of the TSC1 gene, results from a C to G substitution at nucleotide position 3417. The histidine at codon 1139 is replaced by glutamine, an amino acid with highly similar properties. This amino acid position is conserved. In addition, this alteration is predicted to be tolerated by in silico analysis. Based on the available evidence, the clinical significance of this variant remains unclear.